The following is an entry in ClinVar:

NM_002907.4(RECQL):c.1784A>G (p.Gln595Arg)

Genes: PYROXD1 (pyridine nucleotide-disulphide oxidoreductase domain 1; plus strand), RECQL (RecQ like helicase; minus strand). Cytogenetic location: 12p12.1.
Variant type: single nucleotide variant.
Coding change: c.1784A>G on transcript NM_002907.4 (MANE Select); coding-DNA position 1784, A replaced by G.
Protein change: p.Gln595Arg; replaces glutamine 595 with arginine.
Molecular consequence: missense variant. On other transcripts: 3 prime UTR variant (3).
Genome position (GRCh38, 1-based): chr12:21,470,982, T>C on the plus strand (A>G on the coding strand, the complement: RECQL is on the minus strand). VCF-style: chr12-21470982-T-C. GRCh37 (hg19) VCF-style: chr12-21623916-T-C.
Other names: c.1784A>G, p.Gln595Arg (NM_032941.3); c.*2228T>C (NM_001350912.2, NM_001350913.2, NM_024854.5); short protein forms Q595R.
Identifiers: ClinVar variation 3222954 (VCV003222954.3), dbSNP rs2540313057, ClinGen allele CA384114356.
Genomic context (GRCh38, chr12:21,470,982, plus strand): 5'-AATATACTTTTTAAAATATATAAAACTGAAAATTAATAGCCATTTACCCTGAAAGAGTTC[T>C]GCGTGGACTTTGTCACTTGCATAGTAATAGCATGTGCCTCATTGTTCAGAAGATTAGCTT-3'
Protein context (NP_002898.2, residues 585-605): AITMQVTKST[Gln595Arg]NSFRAESSQT

ClinVar aggregate classification (germline): Uncertain significance. Review status: criteria provided, multiple submitters, no conflicts (2 of 4 stars). 2 submissions from 2 submitters: Uncertain significance (2). Last evaluated 2025-12-11.

Conditions:
RECON progeroid syndrome (RECON). Identifiers: MedGen C5830504, MONDO:0957266, OMIM 620370.

Submissions (2):

Ambry Genetics
Classification: Uncertain significance. Last evaluated: 2025-12-11. Review status: criteria provided, single submitter. Criteria: Ambry Variant Classification Scheme 2023. Collection method: clinical testing. Allele origin: germline.
Comment: The p.Q595R variant (also known as c.1784A>G), located in coding exon 13 of the RECQL gene, results from an A to G substitution at nucleotide position 1784. The glutamine at codon 595 is replaced by arginine, an amino acid with highly similar properties. This amino acid position is conserved. In addition, this alteration is predicted to be tolerated by in silico analysis. Since supporting evidence is limited at this time, the clinical significance of this alteration remains unclear.

Fulgent Genetics
Classification: Uncertain significance for RECON progeroid syndrome. Last evaluated: 2024-02-16. Review status: criteria provided, single submitter. Criteria: ACMG Guidelines, 2015. Collection method: clinical testing. Allele origin: germline.